The following is an entry in ClinVar:

ClinVar aggregate classification (germline): Uncertain significance. Review status: criteria provided, multiple submitters, no conflicts (2 of 4 stars). 2 submissions from 2 submitters: Uncertain significance (2). Last evaluated 2026-06-10.

Conditions:
Cardiovascular phenotype. Identifiers: MedGen CN230736.

gnomAD v4.1: 8 of 1,612,586 alleles (0.0005%); highest among the groups gnomAD compares: South Asian, 0.0011%; no homozygotes.

Submissions (2):

Women's Health and Genetics/Laboratory Corporation of America, LabCorp
Classification: Uncertain significance. Last evaluated: 2026-06-10. Review status: criteria provided, single submitter. Criteria: LabCorp Variant Classification Summary - May 2015. Collection method: clinical testing. Allele origin: germline.
Comment: Variant summary: TNXB c.1972G>A (p.Gly658Arg) results in a non-conservative amino acid change in the encoded protein sequence. Algorithms developed to predict the effect of missense changes on protein structure and function are either unavailable or do not agree on the potential impact of this missense change. The variant allele was found at a frequency of 1.3e-05 in 239402 control chromosomes. The available data on variant occurrences in the general population are insufficient to allow any conclusion about variant significance. To our knowledge, no occurrence of c.1972G>A in individuals affected with TNXB-related conditions and no experimental evidence demonstrating its impact on protein function have been reported. ClinVar contains an entry for this variant (Variation ID: 3809354). Based on the evidence outlined above, the variant was classified as uncertain significance.

Ambry Genetics
Classification: Uncertain significance for Cardiovascular phenotype. Last evaluated: 2025-11-20. Review status: criteria provided, single submitter. Criteria: Ambry Variant Classification Scheme 2023. Collection method: clinical testing. Allele origin: germline.

NM_001365276.2(TNXB):c.1972G>A (p.Gly658Arg)

Gene: TNXB (tenascin XB; minus strand). Cytogenetic location: 6p21.33.
Variant type: single nucleotide variant.
Coding change: c.1972G>A on transcript NM_001365276.2 (MANE Select); coding-DNA position 1972, G replaced by A.
Protein change: p.Gly658Arg; replaces glycine 658 with arginine.
Molecular consequence: missense variant.
Genome position (GRCh38, 1-based): chr6:32,095,881, C>T on the plus strand (G>A on the coding strand, the complement: TNXB is on the minus strand). VCF-style: chr6-32095881-C-T. GRCh37 (hg19) VCF-style: chr6-32063658-C-T.
Other names: c.1972G>A, p.Gly658Arg (NM_001428335.1, NM_019105.8); short protein forms G658R.
Identifiers: ClinVar variation 3809354 (VCV003809354.3).
Genomic context (GRCh38, chr6:32,095,881, plus strand): 5'-AGTCCTCACCGCCATAGCCCACGTGGCACAGGCACACTCCTTGCACACACCGCCCACGTC[C>T]CCGGCAGTCAGCCGGGCACATGCGGGTGGCACAGGTAGGGCCGGTGTAGCCTGGGTCGCA-3'
Protein context (NP_001352205.1, residues 648-668): ATRMCPADCR[Gly658Arg]RGRCVQGVCL